The following is an entry in ClinVar:

NM_001365276.2(TNXB):c.9007A>T (p.Ser3003Cys)

Gene: TNXB (tenascin XB; minus strand). Cytogenetic location: 6p21.33.
Variant type: single nucleotide variant.
Coding change: c.9007A>T on transcript NM_001365276.2 (MANE Select); coding-DNA position 9007, A replaced by T.
Protein change: p.Ser3003Cys; replaces serine 3003 with cysteine.
Molecular consequence: missense variant.
Genome position (GRCh38, 1-based): chr6:32,052,778, T>A on the plus strand (A>T on the coding strand, the complement: TNXB is on the minus strand). VCF-style: chr6-32052778-T-A. GRCh37 (hg19) VCF-style: chr6-32020555-T-A.
Other names: c.9001A>T, p.Ser3001Cys (NM_019105.8); short protein forms S3003C, S3001C.
Identifiers: ClinVar variation 2593568 (VCV002593568.2), dbSNP rs1777365553, ClinGen allele CA363545144.

ClinVar aggregate classification (germline): Uncertain significance (1 of 4 stars; one submission).

Conditions:
Cardiovascular phenotype. Identifiers: MedGen CN230736.

Submission:

Ambry Genetics
Classification: Uncertain significance for Cardiovascular phenotype. Last evaluated: 2023-07-20. Review status: criteria provided, single submitter. Criteria: Ambry Variant Classification Scheme 2023. Collection method: clinical testing. Allele origin: germline.
Comment: The p.S3001C variant (also known as c.9001A>T), located in coding exon 25 of the TNXB gene, results from an A to T substitution at nucleotide position 9001. The serine at codon 3001 is replaced by cysteine, an amino acid with dissimilar properties. This amino acid position is conserved. In addition, this alteration is predicted to be tolerated by in silico analysis. Since supporting evidence is limited at this time, the clinical significance of this alteration remains unclear.